The following is an entry in ClinVar:

ClinVar aggregate classification (germline): Benign/Likely benign. Review status: criteria provided, multiple submitters, no conflicts (2 of 4 stars). 7 submissions from 7 submitters: Benign (1); Likely benign (5). 1 of the submissions does not count toward it. Last evaluated 2026-06-01.

Conditions:
Wolfram syndrome 1 (WFS1). Identifiers: Orphanet 3463, MedGen C4551693, MONDO:0009101, OMIM 222300.
WFS1-related disorder. Identifiers: MedGen CN379391, MONDO:0700293.
Type 2 diabetes mellitus. Also called: Type II diabetes mellitus. Identifiers: MedGen C0011860, MeSH D003924, MONDO:0005148, OMIM 125853, HP:0005978.
Wolfram-like syndrome. Also called: HEARING LOSS, PROGRESSIVE, WITH OPTIC ATROPHY AND/OR IMPAIRED GLUCOSE REGULATION. Identifiers: Orphanet 411590, MedGen C3280358, MONDO:0013673, OMIM 614296.
Autosomal dominant nonsyndromic hearing loss 6 (LFSNHL). Also called: Autosomal dominant nonsyndromic deafness 6; DEAFNESS, AUTOSOMAL DOMINANT 6; DEAFNESS, AUTOSOMAL DOMINANT 14; DEAFNESS, AUTOSOMAL DOMINANT 38. Identifiers: Orphanet 90635, MedGen C1833021, MONDO:0010963, OMIM 600965.
Cataract 41 (CTRCT41). Also called: CATARACT 41, CONGENITAL NUCLEAR TYPE. Identifiers: Orphanet 91492, Orphanet 98991, Orphanet 98992, Orphanet 98995, MedGen C3805412, MONDO:0007287, OMIM 116400.

Allele frequency attached by ClinVar (database versions not stated): ExAC 0.00010; ESP Exome Variant Server 0.00015; gnomAD 0.00021 and 0.00024; TOPMed 0.00022; 1000 Genomes Project 0.00040; 1000 Genomes Project 30x 0.00047.
gnomAD v4.1: 87 of 1,612,194 alleles (0.0054%); highest among the groups gnomAD compares: African/African-American, 0.079%; no homozygotes.

Submissions (7):

CeGaT Center for Human Genetics Tuebingen
Classification: Likely benign. Last evaluated: 2026-06-01. Review status: criteria provided, single submitter. Criteria: CeGaT Center For Human Genetics Tuebingen Variant Classification Criteria Version 2. Collection method: clinical testing. Allele origin: germline. Affected: yes. Observed: 1 variant allele.
Comment: WFS1: BP4, BP7

Labcorp Genetics (formerly Invitae), Labcorp
Classification: Likely benign. Last evaluated: 2025-10-21. Review status: criteria provided, single submitter. Criteria: Invitae Variant Classification Sherloc (09022015). Collection method: clinical testing. Allele origin: germline.

Blueprint Genetics
Classification: Likely benign. Last evaluated: 2024-07-19. Review status: criteria provided, single submitter. Criteria: ACMG Guidelines, 2015. Collection method: clinical testing. Allele origin: germline.

Fulgent Genetics
Classification: Likely benign for Cataract 41; Type 2 diabetes mellitus; Wolfram syndrome 1; Autosomal dominant nonsyndromic hearing loss 6; Wolfram-like syndrome. Last evaluated: 2021-09-22. Review status: criteria provided, single submitter. Criteria: ACMG Guidelines, 2015. Collection method: clinical testing. Allele origin: unknown.

GeneDx
Classification: Likely benign. Last evaluated: 2020-06-05. Review status: criteria provided, single submitter. Criteria: GeneDx Variant Classification Process June 2021. Collection method: clinical testing. Allele origin: germline. Affected: yes.

Clinical Genomics, Uppaluri K&H Personalized Medicine Clinic
Classification: Benign for Wolfram syndrome 1. Review status: criteria provided, single submitter. Criteria: K & H Uppaluri Personalized Medicine Clinic Variant Classification & Assertion Criteria_Updated V.1. Collection method: research. Allele origin: unknown. Inheritance: Autosomal recessive inheritance.
Comment: Potent mutations in WFS1 gene are associated with Wolfram's syndrome, an autosomal recessive condition, which cause diabetes mellitus, diabetes insipidus, deafness and optic atrophy. However no sufficient evidence is found to ascertain the role of this particular variant rs150997327 in Wolfram's syndrome yet.

PreventionGenetics, part of Exact Sciences
Classification: Likely benign for WFS1-related condition. Last evaluated: 2023-11-21. Review status: no assertion criteria provided. Collection method: clinical testing. Allele origin: germline. Not counted in ClinVar's aggregate classification.
Comment: This variant is classified as likely benign based on ACMG/AMP sequence variant interpretation guidelines (Richards et al. 2015 PMID: 25741868, with internal and published modifications).

Literature cited by the submitters: PubMed 20738327 (cited by Clinical Genomics, Uppaluri K&H Personalized Medicine Clinic); PubMed 33879153 (cited by Clinical Genomics, Uppaluri K&H Personalized Medicine Clinic); PubMed 12955714 (cited by Clinical Genomics, Uppaluri K&H Personalized Medicine Clinic); PubMed 18060660 (cited by Clinical Genomics, Uppaluri K&H Personalized Medicine Clinic); PubMed 20301750 (cited by Clinical Genomics, Uppaluri K&H Personalized Medicine Clinic); PubMed 17603484 (cited by Clinical Genomics, Uppaluri K&H Personalized Medicine Clinic).

NM_006005.3(WFS1):c.1419C>T (p.Ser473=)

Gene: WFS1 (wolframin ER transmembrane glycoprotein; plus strand). Cytogenetic location: 4p16.1.
Variant type: single nucleotide variant.
Coding change: c.1419C>T on transcript NM_006005.3 (MANE Select); coding-DNA position 1419, C replaced by T.
Protein change: p.Ser473=; no amino-acid change (serine 473 retained).
Molecular consequence: synonymous variant.
Genome position (GRCh38, 1-based): chr4:6,301,214, C>T. VCF-style: chr4-6301214-C-T. GRCh37 (hg19) VCF-style: chr4-6302941-C-T.
Other names: c.1419C>T, p.Ser473= (NM_001145853.1).
Identifiers: ClinVar variation 507996 (VCV000507996.55), dbSNP rs150997327, ClinGen allele CA2839342.